The following is an entry in ClinVar:

NM_001040108.2(MLH3):c.3552A>T (p.Gly1184=)

Gene: MLH3 (mutL homolog 3; minus strand). Cytogenetic location: 14q24.3.
Variant type: single nucleotide variant.
Coding change: c.3552A>T on transcript NM_001040108.2 (MANE Select); coding-DNA position 3552, A replaced by T.
Protein change: p.Gly1184=; no amino-acid change (glycine 1184 retained).
Molecular consequence: synonymous variant.
Genome position (GRCh38, 1-based): chr14:75,039,929, T>A on the plus strand (A>T on the coding strand, the complement: MLH3 is on the minus strand). VCF-style: chr14-75039929-T-A. GRCh37 (hg19) VCF-style: chr14-75506632-T-A.
Other names: c.3552A>T, p.Gly1184= (NM_014381.3).
Identifiers: ClinVar variation 5024562 (VCV005024562.1).

ClinVar aggregate classification (germline): Uncertain significance (1 of 4 stars; one submission).

Submission:

Ambry Genetics
Classification: Uncertain significance. Last evaluated: 2026-08-25. Review status: criteria provided, single submitter. Criteria: Ambry Variant Classification Scheme 2023. Collection method: clinical testing. Allele origin: germline.
Comment: The c.3552A>T variant (also known as p.G1184G), located in coding exon 4 of the MLH3 gene, results from an A to T substitution at nucleotide position 3552. This nucleotide substitution does not change the amino acid at codon 1184. This nucleotide position is not well conserved in available vertebrate species. In silico splice site analysis predicts that this alteration will weaken the native splice donor site and will result in the creation or strengthening of a novel splice donor site. Based on the available evidence, the clinical significance of this variant remains unclear.